The following is an entry in ClinVar:

ClinVar aggregate classification (germline): Pathogenic. Review status: criteria provided, multiple submitters, no conflicts (2 of 4 stars). 2 submissions from 2 submitters: Pathogenic (2). Last evaluated 2025-04-25.

Conditions:
Renal coloboma syndrome (PAPRS). Also called: PAPILLORENAL SYNDROME; OPTIC COLOBOMA, VESICOURETERAL REFLUX, AND RENAL ANOMALIES; OPTIC NERVE COLOBOMA WITH RENAL DISEASE; RENAL-COLOBOMA SYNDROME WITH MACULAR ABNORMALITIES; PAPILLORENAL SYNDROME WITH MILD OCULAR ABNORMALITIES; CONGENITAL ANOMALIES OF THE KIDNEY AND URINARY TRACT WITH OR WITHOUT OCULAR ABNORMALITIES. Identifiers: Orphanet 1475, MedGen C1852759, MONDO:0007352, OMIM 120330.
Focal segmental glomerulosclerosis 7 (FSGS7). Identifiers: Orphanet 656, MedGen C4014925, MONDO:0014451, OMIM 616002.

Submissions (2):

MVZ Medizinische Genetik Mainz
Classification: Pathogenic for Renal coloboma syndrome. Last evaluated: 2025-04-25. Review status: criteria provided, single submitter. Criteria: UK Practice Guidelines For Variant Classification V4 01 2020. Collection method: clinical testing. Allele origin: germline. Inheritance: Autosomal dominant inheritance. Affected: yes. Observed: 1 variant allele.
Comment: ACMG Criteria: PVS1,PS4_MOD,PM6,PM2_SUP,PP4

Labcorp Genetics (formerly Invitae), Labcorp
Classification: Pathogenic for Renal coloboma syndrome; Focal segmental glomerulosclerosis 7. Last evaluated: 2021-08-31. Review status: criteria provided, single submitter. Criteria: Invitae Variant Classification Sherloc (09022015). Collection method: clinical testing. Allele origin: germline.

NM_000278.5(PAX2):c.906C>A (p.Tyr302Ter)

Gene: PAX2 (paired box 2; plus strand). Cytogenetic location: 10q24.31.
Variant type: single nucleotide variant.
Coding change: c.906C>A on transcript NM_000278.5 (MANE Select); coding-DNA position 906, C replaced by A.
Protein change: p.Tyr302Ter; replaces tyrosine 302 with a stop codon.
Molecular consequence: nonsense.
Genome position (GRCh38, 1-based): chr10:100,809,223, C>A. VCF-style: chr10-100809223-C-A. GRCh37 (hg19) VCF-style: chr10-102568980-C-A.
Other names: c.999C>A, p.Tyr333Ter (NM_001304569.2); c.975C>A, p.Tyr325Ter (NM_003987.5, NM_003990.5); c.906C>A, p.Tyr302Ter (NM_003988.5, NM_003989.5); short protein forms Y302*, Y325*, Y333*.
Identifiers: ClinVar variation 1072594 (VCV001072594.5), dbSNP rs2133956435, ClinGen allele CA378259474.